The following is an entry in ClinVar:

ClinVar aggregate classification (germline): Uncertain significance (1 of 4 stars; one submission).

Conditions:
Hereditary cancer-predisposing syndrome. Also called: Neoplastic Syndromes, Hereditary; Tumor predisposition; Hereditary neoplastic syndrome; Hereditary Cancer Syndrome. Identifiers: Orphanet 140162, MedGen C0027672, MeSH D009386, MONDO:0015356.

Submission:

Ambry Genetics
Classification: Uncertain significance for Hereditary cancer-predisposing syndrome. Last evaluated: 2026-08-22. Review status: criteria provided, single submitter. Criteria: Ambry Variant Classification Scheme 2023. Collection method: clinical testing. Allele origin: germline.
Comment: The p.P1302A variant (also known as c.3904C>G), located in coding exon 23 of the PTCH1 gene, results from a C to G substitution at nucleotide position 3904. The proline at codon 1302 is replaced by alanine, an amino acid with highly similar properties. This amino acid position is conserved. In addition, this alteration is predicted to be tolerated by in silico analysis. Based on the available evidence, the clinical significance of this variant remains unclear.

NM_000264.5(PTCH1):c.3904C>G (p.Pro1302Ala)

Gene: PTCH1 (patched 1; minus strand). Cytogenetic location: 9q22.32.
Variant type: single nucleotide variant.
Coding change: c.3904C>G on transcript NM_000264.5 (MANE Select); coding-DNA position 3904, C replaced by G.
Protein change: p.Pro1302Ala; replaces proline 1302 with alanine.
Molecular consequence: missense variant. On other transcripts: non-coding transcript variant (1).
Genome position (GRCh38, 1-based): chr9:95,447,352, G>C on the plus strand (C>G on the coding strand, the complement: PTCH1 is on the minus strand). VCF-style: chr9-95447352-G-C. GRCh37 (hg19) VCF-style: chr9-98209634-G-C.
Other names: c.3706C>G, p.Pro1236Ala (NM_001083602.3); c.3901C>G, p.Pro1301Ala (NM_001083603.3); c.3451C>G, p.Pro1151Ala (NM_001083604.3, NM_001083605.3, NM_001083606.3 and 1 more transcripts); c.3748C>G, p.Pro1250Ala (NM_001354918.2); short protein forms P1236A, P1302A, P1301A, P1151A, P1250A.
Identifiers: ClinVar variation 5027554 (VCV005027554.1).